The following is an entry in ClinVar:

NM_206933.4(USH2A):c.2522C>A (p.Ser841Tyr)

Genes: USH2A (usherin; minus strand), LOC122152296 (Sharpr-MPRA regulatory region 8762; plus strand). Cytogenetic location: 1q41.
Variant type: single nucleotide variant.
Coding change: c.2522C>A on transcript NM_206933.4 (MANE Select); coding-DNA position 2522, C replaced by A.
Protein change: p.Ser841Tyr; replaces serine 841 with tyrosine.
Molecular consequence: missense variant.
Genome position (GRCh38, 1-based): chr1:216,246,872, G>T on the plus strand (C>A on the coding strand, the complement: USH2A is on the minus strand). VCF-style: chr1-216246872-G-T. GRCh37 (hg19) VCF-style: chr1-216420214-G-T.
Other names: NM_206933.2(USH2A):c.2522C>A; c.2522C>A, p.Ser841Tyr (NM_007123.6); short protein forms S841Y.
Identifiers: ClinVar variation 48487 (VCV000048487.81), dbSNP rs111033282, ClinGen allele CA248655.
Genomic context (GRCh38, chr1:216,246,872, plus strand): 5'-CACAGCAGAGAGCCATTTATTGTCCCAGTCTTATCACAGTTGCAAGGCAGACAGAGGAAA[G>T]AATTATTTTGCCGTAGGTAGAAGTTTCCCTCCAAACATTTATTGCACTGTCTCCCTTCAA-3'
Protein context (NP_996816.3, residues 831-851): EGNFYLRQNN[Ser841Tyr]FLCLPCNCDK

ClinVar aggregate classification (germline): Benign. Review status: reviewed by expert panel (3 of 4 stars). 22 submissions from 21 submitters: Benign (1). 21 of the submissions do not count toward it. Last evaluated 2020-12-24.

Conditions:
Progressive cone dystrophy (without rod involvement). Identifiers: MedGen C0271092.
Usher syndrome. Also called: Usher's syndrome; Usher Syndromes. Identifiers: Orphanet 886, MedGen CN469326, MeSH D052245, MONDO:0019501. Disease mechanism: loss of function.
Retinitis pigmentosa (RP). Identifiers: Orphanet 791, MedGen C0035334, MeSH D012174, MONDO:0019200, OMIM 268000. Inheritance: Autosomal dominant, autosomal recessive and X linked inheritance.
Usher syndrome type 2A. Also called: RETINAL DISEASE IN USHER SYNDROME TYPE IIA, MODIFIER OF; USHER SYNDROME, TYPE IIA. Identifiers: Orphanet 231178, Orphanet 886, MedGen C1848634, MONDO:0010169, OMIM 276901.
Hearing impairment. Also called: Impaired Hearing. Identifiers: MedGen C1384666, MONDO:0005365, HP:0000365.

Allele frequency attached by ClinVar (database versions not stated): 1000 Genomes Project 30x 0.00125; 1000 Genomes Project 0.00160; TOPMed 0.00471; ESP Exome Variant Server 0.00531; gnomAD 0.00546 and 0.00569; gnomAD exomes 0.00606 and 0.00711; ExAC 0.00629.
gnomAD v4.1: 11,141 of 1,614,154 alleles (0.69%); highest among the groups gnomAD compares: Non-Finnish European, 0.8%; 54 homozygotes.

Submissions (22):

ClinGen Hearing Loss Variant Curation Expert Panel
Classification: Benign for Usher syndrome. Last evaluated: 2020-12-24. Review status: reviewed by expert panel. Criteria: ClinGen HL ACMG Specifications v1. Collection method: curation. Allele origin: germline. Inheritance: Autosomal recessive inheritance.
Comment: The p.Ser841Tyr variant in the USH2A gene has been identified in three individuals with Usher syndrome (PMIDs 19683999, 28944237, 28653555); however, in two of those individuals a variant on the second allele was not identified (PMIDs 19683999, 28944237) and in one (PMID 28653555), the variant found on the other alleles (p.Tyr1992Cys) did not have evidence to support pathogenicity and has a high allele frequency in gnomAD (of European (Finnish) chromosomes). The filtering allele frequency of the p.Ser841Tyr variant in the USH2A gene is 1.4% for European (Finnish) chromosomes by gnomAD (1144/128242 with 95% CI), which is a high enough frequency to be classified as benign based on thresholds defined by the ClinGen Hearing Loss Expert Panel for autosomal recessive hearing loss variants (BA1).

CeGaT Center for Human Genetics Tuebingen
Classification: Likely benign. Last evaluated: 2026-07-01. Review status: criteria provided, single submitter. Criteria: CeGaT Center For Human Genetics Tuebingen Variant Classification Criteria Version 2. Collection method: clinical testing. Allele origin: germline. Affected: yes. Observed: 28 variant alleles. Not counted in ClinVar's aggregate classification.
Comment: USH2A: BP4, BS2

Labcorp Genetics (formerly Invitae), Labcorp
Classification: Benign. Last evaluated: 2026-02-04. Review status: criteria provided, single submitter. Criteria: Invitae Variant Classification Sherloc (09022015). Collection method: clinical testing. Allele origin: germline. Not counted in ClinVar's aggregate classification.

Blueprint Genetics
Classification: Likely benign. Last evaluated: 2024-11-25. Review status: criteria provided, single submitter. Criteria: ACMG Guidelines, 2015. Collection method: clinical testing. Allele origin: germline. Not counted in ClinVar's aggregate classification.

ARUP Laboratories, Molecular Genetics and Genomics, ARUP Laboratories
Classification: Benign. Last evaluated: 2023-10-02. Review status: criteria provided, single submitter. Criteria: ARUP Molecular Germline Variant Investigation Process 2024. Collection method: clinical testing. Allele origin: germline. Not counted in ClinVar's aggregate classification.

Women's Health and Genetics/Laboratory Corporation of America, LabCorp
Classification: Benign. Last evaluated: 2022-04-04. Review status: criteria provided, single submitter. Criteria: LabCorp Variant Classification Summary - May 2015. Collection method: clinical testing. Allele origin: germline. Not counted in ClinVar's aggregate classification.
Comment: Variant summary: USH2A c.2522C>A (p.Ser841Tyr) results in a non-conservative amino acid change in the encoded protein sequence. Three of four in-silico tools predict a damaging effect of the variant on protein function. The variant allele was found at a frequency of 0.0061 in 250428 control chromosomes, including 9 homozygotes. This frequency is not higher than the estimated maximum expected (MPAF) for a pathogenic variant in USH2A causing Usher Syndrome (0.011), however the presence of homozygotes suggests a benign role for the variant. In addition, the variant is reported in certain subpopulations with even higher frequencies, e.g. in the Finnish (0.016) and Swedish (0.015), which are above the MPAF, indicating that the variant is benign. Although the variant, c.2522C>A, has been reported to be found in individuals affected with Usher Syndrome related phenotypes (HGMD), the Deafness Variation Database (DVD), classified the variant as benign, based on ethnic-specific minor allele frequencies (Shearer_2014, Azaiez_2018). To our knowledge no experimental evidence demonstrating the variant impact on protein function have been reported. 12 submitters, including an expert panel (ClinGen Hearing Loss Variant Curation Expert Panel), have provided clinical-significance assessments for this variant in ClinVar after 2014, and classified the variant as likely pathogenic (n=1), VUS (n=4), likely benign (n=2) / benign (n=5; including the expert panel). Based on the evidence outlined above, the variant was classified as benign.

Athena Diagnostics
Classification: Likely benign. Last evaluated: 2020-07-24. Review status: criteria provided, single submitter. Criteria: Athena Diagnostics Criteria. Collection method: clinical testing. Allele origin: unknown. Not counted in ClinVar's aggregate classification.

Illumina Laboratory Services, Illumina
Classification: Likely benign for Retinitis pigmentosa. Last evaluated: 2017-04-27. Review status: criteria provided, single submitter. Criteria: ICSL Variant Classification Criteria 13 December 2019. Collection method: clinical testing. Allele origin: germline. Not counted in ClinVar's aggregate classification.
Comment: This variant was observed as part of a predisposition screen in an ostensibly healthy population. A literature search was performed for the gene, cDNA change, and amino acid change (where applicable). Publications were found based on this search. The evidence from the literature, in combination with allele frequency data from public databases where available, was sufficient to determine this variant is unlikely to cause disease. Therefore, this variant is classified as likely benign.

Illumina Laboratory Services, Illumina
Classification: Likely benign for Usher syndrome type 2A. Last evaluated: 2017-04-27. Review status: criteria provided, single submitter. Criteria: ICSL Variant Classification Criteria 13 December 2019. Collection method: clinical testing. Allele origin: germline. Not counted in ClinVar's aggregate classification.
Comment: the same text as in the submission from Illumina Laboratory Services, Illumina above.

GeneDx
Classification: Benign. Last evaluated: 2015-03-03. Review status: criteria provided, single submitter. Criteria: GeneDx Variant Classification Process June 2021. Collection method: clinical testing. Allele origin: germline. Affected: yes. Not counted in ClinVar's aggregate classification.
Comment: This variant is associated with the following publications: (PMID: 32581362, 32707200, 30872814, 30245029, 28944237, 28653555, 28041643, 25773295, 19683999, 22004887, 25262649)

Eurofins Ntd Llc (ga)
Classification: Benign. Last evaluated: 2014-12-17. Review status: criteria provided, single submitter. Criteria: EGL Classification Definitions 2015. Collection method: clinical testing. Allele origin: germline. Observed: 3 variant alleles, 3 heterozygotes. Not counted in ClinVar's aggregate classification.

Laboratory for Molecular Medicine, Mass General Brigham Personalized Medicine
Classification: Benign. Last evaluated: 2010-07-13. Review status: criteria provided, single submitter. Criteria: LMM Criteria. Collection method: clinical testing. Allele origin: germline. Observed: 24 variant alleles. Not counted in ClinVar's aggregate classification.
Comment: This variant is not expected to have clinical significance due to an equal occur rence in probands and controls (Pennings 2004).

Breakthrough Genomics
Classification: Benign. Review status: criteria provided, single submitter. Criteria: ACMG Guidelines, 2015. Collection method: not provided. Allele origin: germline. Inheritance: Autosomal recessive inheritance. Affected: yes. Not counted in ClinVar's aggregate classification.

Natera, Inc.
Classification: Benign for Usher syndrome type 2A. Last evaluated: 2019-12-30. Review status: no assertion criteria provided. Collection method: clinical testing. Allele origin: germline. Not counted in ClinVar's aggregate classification.

NIHR Bioresource Rare Diseases, University of Cambridge
Classification: Likely pathogenic for Retinitis pigmentosa. Last evaluated: 2015-01-01. Review status: no assertion criteria provided. Collection method: research. Allele origin: unknown. Affected: yes. Observed: 1 variant allele. Not counted in ClinVar's aggregate classification.

Clinical Genetics DNA and cytogenetics Diagnostics Lab, Erasmus MC, Erasmus Medical Center
Classification: Benign. Review status: no assertion criteria provided. Collection method: clinical testing. Allele origin: germline. Affected: yes. Study: VKGL Data-share Consensus. Not counted in ClinVar's aggregate classification.

Clinical Genetics, Academic Medical Center
Classification: Likely benign. Review status: no assertion criteria provided. Collection method: clinical testing. Allele origin: germline. Affected: yes. Study: VKGL Data-share Consensus. Not counted in ClinVar's aggregate classification.

Joint Genome Diagnostic Labs from Nijmegen and Maastricht, Radboudumc and MUMC+
Classification: Benign. Review status: no assertion criteria provided. Collection method: clinical testing. Allele origin: germline. Affected: yes. Study: VKGL Data-share Consensus. Not counted in ClinVar's aggregate classification.

Center for Statistical Genetics, Columbia University
Classification: Uncertain significance for Hearing impairment. Last evaluated: 2018-10-08. Review status: flagged submission. Collection method: research. Allele origin: germline. Affected: yes. Not counted in ClinVar's aggregate classification.
ClinVar note: Reason: Conflicts with expert reviewed submission without evidence to support different classification

Department of Clinical Genetics, Copenhagen University Hospital, Rigshospitalet
Classification: Uncertain significance for Progressive cone dystrophy (without rod involvement). Last evaluated: 2018-04-01. Review status: flagged submission. Collection method: research. Allele origin: unknown. Affected: yes. Study: VeluxRD. Not counted in ClinVar's aggregate classification.
ClinVar note: Reason: Conflicts with expert reviewed submission without evidence to support different classification

Genomic Diagnostic Laboratory, Division of Genomic Diagnostics, Children's Hospital of Philadelphia
Classification: Uncertain significance. Last evaluated: 2015-02-05. Review status: flagged submission. Criteria: DGD Variant Analysis Guidelines. Collection method: clinical testing. Allele origin: unknown. Not counted in ClinVar's aggregate classification.
ClinVar note: Reason: Conflicts with expert reviewed submission without evidence to support different classification

University of Washington Center for Mendelian Genomics, University of Washington
Classification: Uncertain significance for Hearing impairment. Review status: flagged submission. Collection method: research. Allele origin: inherited. Affected: yes. Not counted in ClinVar's aggregate classification.
ClinVar note: Reason: Conflicts with expert reviewed submission without evidence to support different classification

Literature cited by the submitters: PubMed 25262649 (cited by Women's Health and Genetics/Laboratory Corporation of America, LabCorp and Illumina Laboratory Services, Illumina); PubMed 30245029 (cited by Women's Health and Genetics/Laboratory Corporation of America, LabCorp); PubMed 25999674 (cited by Athena Diagnostics and Illumina Laboratory Services, Illumina); PubMed 22004887 (cited by Athena Diagnostics and Illumina Laboratory Services, Illumina); PubMed 19683999 (cited by 3 submitters); PubMed 15241801 (cited by Athena Diagnostics and Laboratory for Molecular Medicine, Mass General Brigham Personalized Medicine); PubMed 16963483 (cited by Illumina Laboratory Services, Illumina); PubMed 16098008 (cited by Illumina Laboratory Services, Illumina and Laboratory for Molecular Medicine, Mass General Brigham Personalized Medicine); PubMed 28041643 (cited by NIHR Bioresource Rare Diseases, University of Cambridge); PubMed 30718709 (cited by Department of Clinical Genetics, Copenhagen University Hospital, Rigshospitalet); PubMed 30872814 (cited by University of Washington Center for Mendelian Genomics, University of Washington).